The following is an entry in ClinVar:

NM_001386795.1(DTNA):c.154C>G (p.Leu52Val)

Gene: DTNA (dystrobrevin alpha; plus strand). Cytogenetic location: 18q12.1.
Variant type: single nucleotide variant.
Coding change: c.154C>G on transcript NM_001386795.1 (MANE Select); coding-DNA position 154, C replaced by G.
Protein change: p.Leu52Val; replaces leucine 52 with valine.
Molecular consequence: missense variant.
Genome position (GRCh38, 1-based): chr18:34,794,042, C>G. VCF-style: chr18-34794042-C-G. GRCh37 (hg19) VCF-style: chr18-32374006-C-G.
Other names: c.154C>G, p.Leu52Val (NM_001128175.2, NM_001198938.2, NM_001198939.2 and 35 more transcripts); short protein forms L52V.
Identifiers: ClinVar variation 1022023 (VCV001022023.8), dbSNP rs780815924, ClinGen allele CA8935303.

ClinVar aggregate classification (germline): Uncertain significance (1 of 4 stars; one submission).

Conditions:
Left ventricular noncompaction 1 (LVNC1). Also called: LEFT VENTRICULAR NONCOMPACTION 1 WITH OR WITHOUT CONGENITAL HEART DEFECTS. Identifiers: Orphanet 54260, MedGen C1858725, MONDO:0011403, OMIM 604169.

Allele frequency attached by ClinVar (database versions not stated): ExAC 0.00001; gnomAD exomes 0.00001 and 0.00002.
gnomAD v4.1: 8 of 1,613,838 alleles (0.0005%); highest among the groups gnomAD compares: South Asian, 0.0077%; no homozygotes.

Submission:

Labcorp Genetics (formerly Invitae), Labcorp
Classification: Uncertain significance for Left ventricular noncompaction 1. Last evaluated: 2025-09-03. Review status: criteria provided, single submitter. Criteria: Invitae Variant Classification Sherloc (09022015). Collection method: clinical testing. Allele origin: germline.
Comment: This sequence change replaces leucine, which is neutral and non-polar, with valine, which is neutral and non-polar, at codon 52 of the DTNA protein (p.Leu52Val). This variant is present in population databases (rs780815924, gnomAD 0.01%). This variant has not been reported in the literature in individuals affected with DTNA-related conditions. ClinVar contains an entry for this variant (Variation ID: 1022023). Invitae Evidence Modeling of protein sequence and biophysical properties (such as structural, functional, and spatial information, amino acid conservation, physicochemical variation, residue mobility, and thermodynamic stability) has been performed for this missense variant. However, the output from this modeling did not meet the statistical confidence thresholds required to predict the impact of this variant on DTNA protein function. In summary, the available evidence is currently insufficient to determine the role of this variant in disease. Therefore, it has been classified as a Variant of Uncertain Significance.